The following is an entry in ClinVar:

ClinVar aggregate classification (germline): Uncertain significance (1 of 4 stars; one submission).

Submission:

Laboratory for Molecular Medicine, Mass General Brigham Personalized Medicine
Classification: Uncertain significance. Last evaluated: 2020-04-02. Review status: criteria provided, single submitter. Criteria: LMM Criteria. Collection method: clinical testing. Allele origin: germline. Observed: 2 variant alleles.
Comment: Variant classified as Uncertain Significance - Favor Pathogenic. This variant was absent from large population studies. Computational prediction tools and conservation analysis suggest that this variant may impact the protein, though this information is not predictive enough to determine pathogenicity. In summary, the clinical significance of this variant is uncertain. ACMG/AMP Criteria applied: PM2, PM3, PP3.

NM_016239.4(MYO15A):c.1444C>G (p.Arg482Gly)

Gene: MYO15A (myosin XVA; plus strand). Cytogenetic location: 17p11.2.
Variant type: single nucleotide variant.
Coding change: c.1444C>G on transcript NM_016239.4 (MANE Select); coding-DNA position 1444, C replaced by G.
Protein change: p.Arg482Gly; replaces arginine 482 with glycine.
Molecular consequence: missense variant.
Genome position (GRCh38, 1-based): chr17:18,120,244, C>G. VCF-style: chr17-18120244-C-G. GRCh37 (hg19) VCF-style: chr17-18023558-C-G.
Other names: short protein forms R482G.
Identifiers: ClinVar variation 929903 (VCV000929903.4), dbSNP rs867369805, ClinGen allele CA398579349.